The following is an entry in ClinVar:

NM_005005.3(NDUFB9):c.24C>T (p.Pro8=)

Gene: NDUFB9 (NADH:ubiquinone oxidoreductase subunit B9; plus strand). Cytogenetic location: 8q24.13.
Variant type: single nucleotide variant.
Coding change: c.24C>T on transcript NM_005005.3 (MANE Select); coding-DNA position 24, C replaced by T.
Protein change: p.Pro8=; no amino-acid change (proline 8 retained).
Molecular consequence: synonymous variant. On other transcripts: 5 prime UTR variant (2).
Genome position (GRCh38, 1-based): chr8:124,539,210, C>T. VCF-style: chr8-124539210-C-T. GRCh37 (hg19) VCF-style: chr8-125551451-C-T.
Other names: p.P8P:CCC>CCT; p.Pro8=; c.-110C>T (NM_001278645.2); c.-104C>T (NM_001278646.2); c.24C>T, p.Pro8= (NM_001311168.2).
Identifiers: ClinVar variation 138472 (VCV000138472.37), dbSNP rs147044660, ClinGen allele CA292478.

ClinVar aggregate classification (germline): Benign/Likely benign. Review status: criteria provided, multiple submitters, no conflicts (2 of 4 stars). 7 submissions from 7 submitters: Benign (3); Likely benign (4). Last evaluated 2026-03-01.

Conditions:
Mitochondrial complex I deficiency, nuclear type 24. Also called: Mitochondrial complex 1 deficiency, nuclear type 24. Identifiers: MedGen C4748803, MONDO:0032628, OMIM 618245.

Allele frequency attached by ClinVar (database versions not stated): ESP Exome Variant Server 0.00238; 1000 Genomes Project 0.00240; TOPMed 0.00252; gnomAD 0.00254; 1000 Genomes Project 30x 0.00344.
gnomAD v4.1: 4,099 of 1,614,228 alleles (0.25%); highest among the groups gnomAD compares: Admixed American, 0.37%; 8 homozygotes.

Submissions (7):

CeGaT Center for Human Genetics Tuebingen
Classification: Likely benign. Last evaluated: 2026-03-01. Review status: criteria provided, single submitter. Criteria: CeGaT Center For Human Genetics Tuebingen Variant Classification Criteria Version 2. Collection method: clinical testing. Allele origin: germline. Affected: yes. Observed: 5 variant alleles.
Comment: NDUFB9: BP4, BP7

Labcorp Genetics (formerly Invitae), Labcorp
Classification: Benign. Last evaluated: 2026-01-15. Review status: criteria provided, single submitter. Criteria: Invitae Variant Classification Sherloc (09022015). Collection method: clinical testing. Allele origin: germline.

Mayo Clinic Laboratories, Mayo Clinic
Classification: Likely benign. Last evaluated: 2025-09-19. Review status: criteria provided, single submitter. Criteria: ACMG Guidelines, 2015. Collection method: clinical testing. Allele origin: germline. Observed: 6 variant alleles.
Comment: BP4, BP7

Blueprint Genetics
Classification: Likely benign. Last evaluated: 2024-11-25. Review status: criteria provided, single submitter. Criteria: ACMG Guidelines, 2015. Collection method: clinical testing. Allele origin: germline.

Fulgent Genetics
Classification: Likely benign for Mitochondrial complex I deficiency, nuclear type 24. Last evaluated: 2022-01-17. Review status: criteria provided, single submitter. Criteria: ACMG Guidelines, 2015. Collection method: clinical testing. Allele origin: unknown.

GeneDx
Classification: Benign. Last evaluated: 2014-04-25. Review status: criteria provided, single submitter. Criteria: GeneDx Variant Classification (06012015). Collection method: clinical testing. Allele origin: germline. Affected: yes.
Comment: This variant is considered likely benign or benign based on one or more of the following criteria: it is a conservative change, it occurs at a poorly conserved position in the protein, it is predicted to be benign by multiple in silico algorithms, and/or has population frequency not consistent with disease.

Breakthrough Genomics
Classification: Benign. Review status: criteria provided, single submitter. Criteria: ACMG Guidelines, 2015. Collection method: not provided. Allele origin: germline. Inheritance: Autosomal recessive inheritance. Affected: yes.